The following is an entry in ClinVar:

NM_000291.4(PGK1):c.146T>A (p.Phe49Tyr)

Gene: PGK1 (phosphoglycerate kinase 1; plus strand). Cytogenetic location: Xq21.1.
Variant type: single nucleotide variant.
Coding change: c.146T>A on transcript NM_000291.4 (MANE Select); coding-DNA position 146, T replaced by A.
Protein change: p.Phe49Tyr; replaces phenylalanine 49 with tyrosine.
Molecular consequence: missense variant.
Genome position (GRCh38, 1-based): chrX:78,113,773, T>A. VCF-style: chrX-78113773-T-A. GRCh37 (hg19) VCF-style: chrX-77369270-T-A.
Other names: short protein forms F49Y.
Identifiers: ClinVar variation 2081984 (VCV002081984.7), dbSNP rs781875982, ClinGen allele CA10459625.
Genomic context (GRCh38, chrX:78,113,773, plus strand): 5'-CATTCTGTTTGTTGTCTCTCTTTGGTTGCAGGATTAAGGCTGCTGTCCCAAGCATCAAAT[T>A]CTGCTTGGACAATGGAGCCAAGTCGGTAGTCCTTATGAGCCACCTAGGCCGGCCTGATGG-3'
Protein context (NP_000282.1, residues 39-59): RIKAAVPSIK[Phe49Tyr]CLDNGAKSVV

ClinVar aggregate classification (germline): Conflicting classifications of pathogenicity. Review status: criteria provided, conflicting classifications (1 of 4 stars). 3 submissions from 3 submitters: Uncertain significance (2); Benign (1). Last evaluated 2024-06-25.

Conditions:
Glycogen storage disease due to phosphoglycerate kinase 1 deficiency. Also called: PHOSPHOGLYCERATE KINASE 1 DEFICIENCY WITH LEVO-DOPA-RESPONSIVE PARKINSONISM; PGK1 DEFICIENCY. Identifiers: Orphanet 713, MedGen C1970848, MONDO:0010392, OMIM 300653.

Allele frequency attached by ClinVar (database versions not stated): gnomAD exomes below 0.00001; TOPMed below 0.00001; ExAC 0.00001.
gnomAD v4.1: 4 of 1,209,480 alleles (0.00033%); highest among the groups gnomAD compares: Admixed American, 0.0087%; no homozygotes.

Submissions (3):

Fulgent Genetics
Classification: Uncertain significance for Glycogen storage disease due to phosphoglycerate kinase 1 deficiency. Last evaluated: 2024-06-25. Review status: criteria provided, single submitter. Criteria: ACMG Guidelines, 2015. Collection method: clinical testing. Allele origin: germline.

Women's Health and Genetics/Laboratory Corporation of America, LabCorp
Classification: Uncertain significance. Last evaluated: 2024-03-29. Review status: criteria provided, single submitter. Criteria: LabCorp Variant Classification Summary - May 2015. Collection method: clinical testing. Allele origin: germline.
Comment: Variant summary: PGK1 c.146T>A (p.Phe49Tyr) results in a conservative amino acid change in the encoded protein sequence. Four of four in-silico tools predict a benign effect of the variant on protein function. The variant allele was found at a frequency of 2.2e-05 in 182987 control chromosomes. The available data on variant occurrences in the general population are insufficient to allow any conclusion about variant significance. To our knowledge, no occurrence of c.146T>A in individuals affected with Glycogen Storage Disease Due To Phosphoglycerate Kinase 1 Deficiency and no experimental evidence demonstrating its impact on protein function have been reported. ClinVar contains an entry for this variant (Variation ID: 2081984). Based on the evidence outlined above, the variant was classified as uncertain significance.

Labcorp Genetics (formerly Invitae), Labcorp
Classification: Benign. Last evaluated: 2024-01-22. Review status: criteria provided, single submitter. Criteria: Invitae Variant Classification Sherloc (09022015). Collection method: clinical testing. Allele origin: germline.